The following is an entry in ClinVar:

ClinVar aggregate classification (germline): Uncertain significance (1 of 4 stars; one submission).

Conditions:
Long QT syndrome (LQTS). Identifiers: MedGen C0023976, MeSH D008133, MONDO:0002442. Disease mechanism: loss of function. Inheritance: Various modes of inheritance.

gnomAD v4.1: 37 of 1,610,950 alleles (0.0023%); highest among the groups gnomAD compares: South Asian, 0.041%; 1 homozygote.

Submission:

Labcorp Genetics (formerly Invitae), Labcorp
Classification: Uncertain significance for Long QT syndrome. Last evaluated: 2020-09-10. Review status: criteria provided, single submitter. Criteria: Invitae Variant Classification Sherloc (09022015). Collection method: clinical testing. Allele origin: germline.
Comment: In summary, the available evidence is currently insufficient to determine the role of this variant in disease. Therefore, it has been classified as a Variant of Uncertain Significance. Algorithms developed to predict the effect of missense changes on protein structure and function are either unavailable or do not agree on the potential impact of this missense change (SIFT: "Deleterious"; PolyPhen-2: "Probably Damaging"; Align-GVGD: "Class C0"). This variant has not been reported in the literature in individuals with KCNH2-related conditions. This variant is present in population databases (rs754921704, ExAC 0.04%). This sequence change replaces cysteine with tryptophan at codon 52 of the KCNH2 protein (p.Cys52Trp). The cysteine residue is moderately conserved and there is a large physicochemical difference between cysteine and tryptophan.

NM_000238.4(KCNH2):c.156C>G (p.Cys52Trp)

Gene: KCNH2 (potassium voltage-gated channel subfamily H member 2; minus strand). Cytogenetic location: 7q36.1.
Variant type: single nucleotide variant.
Coding change: c.156C>G on transcript NM_000238.4 (MANE Select); coding-DNA position 156, C replaced by G.
Protein change: p.Cys52Trp; replaces cysteine 52 with tryptophan.
Molecular consequence: missense variant.
Genome position (GRCh38, 1-based): chr7:150,974,862, G>C on the plus strand (C>G on the coding strand, the complement: KCNH2 is on the minus strand). VCF-style: chr7-150974862-G-C. GRCh37 (hg19) VCF-style: chr7-150671950-G-C.
Other names: c.-22C>G (NM_001406755.1); c.156C>G, p.Cys52Trp (NM_172056.3); short protein forms C52W.
Identifiers: ClinVar variation 972150 (VCV000972150.10), dbSNP rs754921704, ClinGen allele CA028777.